The following is an entry in ClinVar:

NM_025114.4(CEP290):c.441+69C>G

Gene: CEP290 (centrosomal protein 290; minus strand). Cytogenetic location: 12q21.32.
Variant type: single nucleotide variant.
Coding change: c.441+69C>G on transcript NM_025114.4 (MANE Select); 69 bases into the intron after coding-DNA position 441, C replaced by G.
Molecular consequence: intron variant.
Genome position (GRCh38, 1-based): chr12:88,136,574, G>C on the plus strand (C>G on the coding strand, the complement: CEP290 is on the minus strand). VCF-style: chr12-88136574-G-C. GRCh37 (hg19) VCF-style: chr12-88530351-G-C.
Identifiers: ClinVar variation 4855176 (VCV004855176.1).

ClinVar aggregate classification (germline): Uncertain significance (1 of 4 stars; one submission).

Conditions:
Leber congenital amaurosis 10 (LCA10). Identifiers: Orphanet 65, MedGen C1857821, MONDO:0012723, OMIM 611755.

Submission:

3billion
Classification: Uncertain significance for Leber congenital amaurosis 10. Last evaluated: 2025-08-25. Review status: criteria provided, single submitter. Criteria: ACMG Guidelines, 2015. Collection method: clinical testing. Allele origin: germline. Affected: yes.
Comment: The variant is not observed in the gnomAD v4.1.0 dataset. Predicted Consequence/Location: Intron variant In silico tools predict the variant to alter splicing and produce an abnormal transcript [SpliceAI: 0.82 (>=0.2, moderate evidence for spliceogenicity)]. Therefore, this variant is classified as VUS according to the recommendation of ACMG/AMP guideline.